The following is an entry in ClinVar:

ClinVar aggregate classification (germline): Uncertain significance (1 of 4 stars; one submission).

Submission:

GeneDx
Classification: Uncertain significance. Last evaluated: 2023-12-06. Review status: criteria provided, single submitter. Criteria: GeneDx Variant Classification Process June 2021. Collection method: clinical testing. Allele origin: germline. Affected: yes.
Comment: Not observed at significant frequency in large population cohorts (gnomAD); In silico analysis supports that this missense variant has a deleterious effect on protein structure/function; Has not been previously published as pathogenic or benign to our knowledge; Variants in candidate genes are classified as variants of uncertain significance in accordance with ACMG guidelines (PMID: 25741868)

NM_012197.4(RABGAP1):c.1948G>A (p.Gly650Ser)

Gene: RABGAP1 (RAB GTPase activating protein 1; plus strand). Cytogenetic location: 9q33.2.
Variant type: single nucleotide variant.
Coding change: c.1948G>A on transcript NM_012197.4 (MANE Select); coding-DNA position 1948, G replaced by A.
Protein change: p.Gly650Ser; replaces glycine 650 with serine.
Molecular consequence: missense variant.
Genome position (GRCh38, 1-based): chr9:123,070,389, G>A. VCF-style: chr9-123070389-G-A. GRCh37 (hg19) VCF-style: chr9-125832668-G-A.
Other names: short protein forms G650S.
Identifiers: ClinVar variation 3364957 (VCV003364957.1).